The following is an entry in ClinVar:

NM_000552.5(VWF):c.6613C>T (p.Pro2205Ser)

Gene: VWF (von Willebrand factor; minus strand). Cytogenetic location: 12p13.31.
Variant type: single nucleotide variant.
Coding change: c.6613C>T on transcript NM_000552.5 (MANE Select); coding-DNA position 6613, C replaced by T.
Protein change: p.Pro2205Ser; replaces proline 2205 with serine.
Molecular consequence: missense variant.
Genome position (GRCh38, 1-based): chr12:5,992,004, G>A on the plus strand (C>T on the coding strand, the complement: VWF is on the minus strand). VCF-style: chr12-5992004-G-A. GRCh37 (hg19) VCF-style: chr12-6101170-G-A.
Other names: short protein forms P2205S.
Identifiers: ClinVar variation 4989348 (VCV004989348.1).

ClinVar aggregate classification (germline): Uncertain significance (1 of 4 stars; one submission).

Conditions:
VWF-related disorder. Also called: VWF-related disorders; VWF-related condition.

gnomAD v4.1: 18 of 1,614,172 alleles (0.0011%); highest among the groups gnomAD compares: Non-Finnish European, 0.0015%; no homozygotes.

Submission:

PreventionGenetics, part of Exact Sciences
Classification: Uncertain significance for VWF-related condition. Last evaluated: 2025-07-08. Review status: criteria provided, single submitter. Criteria: ACMG Guidelines, 2015. Collection method: clinical testing. Allele origin: germline.
Comment: The VWF c.6613C>T variant is predicted to result in the amino acid substitution p.Pro2205Ser. To our knowledge, this variant has not been reported in the literature. This variant is reported in 0.0026% of alleles in individuals of European (Non-Finnish) descent in gnomAD. At this time, the clinical significance of this variant is uncertain due to the absence of conclusive functional and genetic evidence.